The following is an entry in ClinVar:

ClinVar aggregate classification (germline): Uncertain significance (1 of 4 stars; one submission).

Submission:

GeneDx
Classification: Uncertain significance. Last evaluated: 2023-07-12. Review status: criteria provided, single submitter. Criteria: GeneDx Variant Classification Process June 2021. Collection method: clinical testing. Allele origin: germline. Affected: yes.
Comment: Not observed at significant frequency in large population cohorts (gnomAD); In silico analysis supports that this missense variant has a deleterious effect on protein structure/function; Has not been previously published as pathogenic or benign to our knowledge

NM_001081550.2(THOC2):c.4720C>T (p.Arg1574Trp)

Gene: THOC2 (THO complex subunit 2; minus strand). Cytogenetic location: Xq25.
Variant type: single nucleotide variant.
Coding change: c.4720C>T on transcript NM_001081550.2 (MANE Select); coding-DNA position 4720, C replaced by T.
Protein change: p.Arg1574Trp; replaces arginine 1574 with tryptophan.
Molecular consequence: missense variant.
Genome position (GRCh38, 1-based): chrX:123,611,474, G>A on the plus strand (C>T on the coding strand, the complement: THOC2 is on the minus strand). VCF-style: chrX-123611474-G-A. GRCh37 (hg19) VCF-style: chrX-122745325-G-A.
Other names: short protein forms R1574W.
Identifiers: ClinVar variation 3360915 (VCV003360915.1).